The following is an entry in ClinVar:

NM_172166.4(MSH5):c.2050G>A (p.Ala684Thr)

Genes: MSH5 (mutS homolog 5; plus strand), MSH5-SAPCD1 (MSH5-SAPCD1 readthrough (NMD candidate); plus strand). Cytogenetic location: 6p21.33.
Variant type: single nucleotide variant.
Coding change: c.2050G>A on transcript NM_172166.4 (MANE Select); coding-DNA position 2050, G replaced by A.
Protein change: p.Ala684Thr; replaces alanine 684 with threonine.
Molecular consequence: missense variant. On other transcripts: non-coding transcript variant (1).
Genome position (GRCh38, 1-based): chr6:31,761,484, G>A. VCF-style: chr6-31761484-G-A. GRCh37 (hg19) VCF-style: chr6-31729261-G-A.
Other names: c.2050G>A, p.Ala684Thr (NM_002441.5); c.2104G>A, p.Ala702Thr (NM_025259.6); c.2053G>A, p.Ala685Thr (NM_172165.4); short protein forms A684T, A685T, A702T.
Identifiers: ClinVar variation 5019014 (VCV005019014.2).
Genomic context (GRCh38, chr6:31,761,484, plus strand): 5'-ATATGGGGTCCCCATGGCTCCGAATGCTAACCTCTGCCCTCTTTGCAGGTGGATGGGCTC[G>A]CGCTTCTGGCCGCTGTGCTCCGACACTGGCTGGCACGTGGACCCACATGCCCCCACATCT-3'
Protein context (NP_751898.1, residues 674-694): GKGTNTVDGL[Ala684Thr]LLAAVLRHWL

ClinVar aggregate classification (germline): Uncertain significance (1 of 4 stars; one submission).

Conditions:
Spermatogenic failure 74 (SPGF74). Identifiers: MedGen C5677010, MONDO:0030972, OMIM 619937.
Premature ovarian failure 13 (POF13). Identifiers: MedGen C4479510, MONDO:0044317, OMIM 617442.

gnomAD v4.1: 46 of 1,613,146 alleles (0.0029%); highest among the groups gnomAD compares: East Asian, 0.06%; no homozygotes.

Submission:

Juno Genomics, Hangzhou Juno Genomics, Inc
Classification: Uncertain significance for Premature ovarian failure 13; Spermatogenic failure 74. Review status: criteria provided, single submitter. Criteria: ACMG Guidelines, 2015. Collection method: clinical testing. Allele origin: germline.
Comment: Absent from controls (or at extremely low frequency if recessive) in Genome Aggregation Database.